The following is an entry in ClinVar:

NM_178452.6(DNAAF1):c.1264C>G (p.Leu422Val)

Gene: DNAAF1 (dynein axonemal assembly factor 1; plus strand). Cytogenetic location: 16q24.1.
Variant type: single nucleotide variant.
Coding change: c.1264C>G on transcript NM_178452.6 (MANE Select); coding-DNA position 1264, C replaced by G.
Protein change: p.Leu422Val; replaces leucine 422 with valine.
Molecular consequence: missense variant.
Genome position (GRCh38, 1-based): chr16:84,170,092, C>G. VCF-style: chr16-84170092-C-G. GRCh37 (hg19) VCF-style: chr16-84203698-C-G.
Other names: c.556C>G, p.Leu186Val (NM_001318756.1); short protein forms L422V, L186V.
Identifiers: ClinVar variation 454998 (VCV000454998.1), dbSNP rs1029522235, ClinGen allele CA285523683.
Genomic context (GRCh38, chr16:84,170,092, plus strand): 5'-GAGGCTAAAAGAGAGGATGGAGGTCCAGAGCCAGAGGGGACCCTCCCAGCTGAGACCCTG[C>G]TACTGTCGTCACCTGTGGAGGTTAAAGGAGAGGACGGAGATGGAGAGCCAGAGGGGACCC-3'
Protein context (NP_848547.4, residues 412-432): PEGTLPAETL[Leu422Val]LSSPVEVKGE

ClinVar aggregate classification (germline): Uncertain significance (1 of 4 stars; one submission).

Conditions:
Primary ciliary dyskinesia. Also called: Ciliary dyskinesia. Identifiers: Orphanet 244, MedGen C0008780, MONDO:0016575, HP:0012265.

Allele frequency attached by ClinVar (database versions not stated): gnomAD exomes below 0.00001.
gnomAD v4.1: 1 of 1,590,908 alleles (0.000063%); highest among the groups gnomAD compares: Non-Finnish European, 0.000086%; no homozygotes.

Submission:

Labcorp Genetics (formerly Invitae), Labcorp
Classification: Uncertain significance for Primary ciliary dyskinesia. Last evaluated: 2017-06-08. Review status: criteria provided, single submitter. Criteria: Invitae Variant Classification Sherloc (09022015). Collection method: clinical testing. Allele origin: germline.
Comment: This sequence change replaces leucine with valine at codon 422 of the DNAAF1 protein (p.Leu422Val). The leucine residue is weakly conserved and there is a small physicochemical difference between leucine and valine. This variant is not present in population databases (ExAC no frequency). This variant has not been reported in the literature in individuals with a DNAAF1-related disease. Algorithms developed to predict the effect of missense changes on protein structure and function (SIFT, PolyPhen-2, Align-GVGD) all suggest that this variant is likely to be tolerated, but these predictions have not been confirmed by published functional studies and their clinical significance is uncertain. Algorithms developed to predict the effect of sequence changes on RNA splicing suggest that this variant may create or strengthen a splice site, but this prediction has not been confirmed by published transcriptional studies. In summary, this variant has uncertain impact on DNAAF1 function. The available evidence is currently insufficient to determine its role in disease. Therefore, it has been classified as a Variant of Uncertain Significance.